The following is an entry in ClinVar:

ClinVar aggregate classification (germline): Uncertain significance. Review status: criteria provided, multiple submitters, no conflicts (2 of 4 stars). 2 submissions from 2 submitters: Uncertain significance (2). Last evaluated 2023-08-02.

Conditions:
Inborn genetic diseases. Identifiers: MedGen C0950123, MeSH D030342.
Progressive myoclonic epilepsy type 7. Identifiers: Orphanet 435438, MedGen C4015420, MONDO:0014521, OMIM 616187.

Submissions (2):

Ambry Genetics
Classification: Uncertain significance for Inborn genetic diseases. Last evaluated: 2023-08-02. Review status: criteria provided, single submitter. Criteria: Ambry Variant Classification Scheme 2023. Collection method: clinical testing. Allele origin: germline.

Labcorp Genetics (formerly Invitae), Labcorp
Classification: Uncertain significance for Progressive myoclonic epilepsy type 7. Last evaluated: 2022-07-28. Review status: criteria provided, single submitter. Criteria: Invitae Variant Classification Sherloc (09022015). Collection method: clinical testing. Allele origin: germline.
Comment: In summary, the available evidence is currently insufficient to determine the role of this variant in disease. Therefore, it has been classified as a Variant of Uncertain Significance. This variant has not been reported in the literature in individuals affected with KCNC1-related conditions. Advanced modeling of protein sequence and biophysical properties (such as structural, functional, and spatial information, amino acid conservation, physicochemical variation, residue mobility, and thermodynamic stability) performed at Invitae indicates that this missense variant is expected to disrupt KCNC1 protein function. This sequence change replaces glutamic acid, which is acidic and polar, with lysine, which is basic and polar, at codon 213 of the KCNC1 protein (p.Glu213Lys). This variant is not present in population databases (gnomAD no frequency).

NM_001112741.2(KCNC1):c.637G>A (p.Glu213Lys)

Gene: KCNC1 (potassium voltage-gated channel subfamily C member 1; plus strand). Cytogenetic location: 11p15.1.
Variant type: single nucleotide variant.
Coding change: c.637G>A on transcript NM_001112741.2 (MANE Select); coding-DNA position 637, G replaced by A.
Protein change: p.Glu213Lys; replaces glutamic acid 213 with lysine.
Molecular consequence: missense variant.
Genome position (GRCh38, 1-based): chr11:17,771,731, G>A. VCF-style: chr11-17771731-G-A. GRCh37 (hg19) VCF-style: chr11-17793278-G-A.
Other names: c.637G>A, p.Glu213Lys (NM_004976.4); c.637G>A (NM_001112741.1); short protein forms E213K.
Identifiers: ClinVar variation 2122475 (VCV002122475.6), dbSNP rs1565162585, ClinGen allele CA379805692.